The following is an entry in ClinVar:

NM_005120.3(MED12):c.5088G>A (p.Pro1696=)

Gene: MED12 (mediator complex subunit 12; plus strand). Cytogenetic location: Xq13.1.
Variant type: single nucleotide variant.
Coding change: c.5088G>A on transcript NM_005120.3 (MANE Select); coding-DNA position 5088, G replaced by A.
Protein change: p.Pro1696=; no amino-acid change (proline 1696 retained).
Molecular consequence: synonymous variant.
Genome position (GRCh38, 1-based): chrX:71,136,343, G>A. VCF-style: chrX-71136343-G-A. GRCh37 (hg19) VCF-style: chrX-70356193-G-A.
Identifiers: ClinVar variation 513683 (VCV000513683.11), dbSNP rs202167558, ClinGen allele CA330983240.

ClinVar aggregate classification (germline): Likely benign. Review status: criteria provided, multiple submitters, no conflicts (2 of 4 stars). 3 submissions from 3 submitters: Likely benign (3). Last evaluated 2024-01-17.

Conditions:
FG syndrome (FGS). Identifiers: MedGen C0220769, MONDO:0002010.
Familial thoracic aortic aneurysm and aortic dissection (TAAD). Also called: Thoracic aortic aneurysms and dissections. Identifiers: Orphanet 91387, MedGen C4707243, MONDO:0019625.

Allele frequency attached by ClinVar (database versions not stated): gnomAD 0.00003 and 0.00002; 1000 Genomes Project 0.00026; 1000 Genomes Project 30x 0.00042; gnomAD exomes 0.00001; TOPMed 0.00001.
gnomAD v4.1: 12 of 1,209,364 alleles (0.00099%); highest among the groups gnomAD compares: African/African-American, 0.0053%; no homozygotes.

Submissions (3):

Labcorp Genetics (formerly Invitae), Labcorp
Classification: Likely benign for FG syndrome. Last evaluated: 2024-01-17. Review status: criteria provided, single submitter. Criteria: Invitae Variant Classification Sherloc (09022015). Collection method: clinical testing. Allele origin: germline.

Ambry Genetics
Classification: Likely benign for Familial thoracic aortic aneurysm and aortic dissection. Last evaluated: 2023-11-21. Review status: criteria provided, single submitter. Criteria: Ambry Variant Classification Scheme 2023. Collection method: clinical testing. Allele origin: germline.

GeneDx
Classification: Likely benign. Last evaluated: 2017-11-22. Review status: criteria provided, single submitter. Criteria: GeneDx Variant Classification (06012015). Collection method: clinical testing. Allele origin: germline. Affected: yes.
Comment: This variant is considered likely benign or benign based on one or more of the following criteria: it is a conservative change, it occurs at a poorly conserved position in the protein, it is predicted to be benign by multiple in silico algorithms, and/or has population frequency not consistent with disease.